The following is an entry in ClinVar:

ClinVar aggregate classification (germline): Conflicting classifications of pathogenicity. Review status: criteria provided, conflicting classifications (1 of 4 stars). 7 submissions from 7 submitters: Uncertain significance (4); Likely benign (3). Last evaluated 2026-07-14.

Conditions:
NLRP1-related disorder. Also called: NLRP1-related condition.
Inborn genetic diseases. Identifiers: MedGen C0950123, MeSH D030342.

Allele frequency attached by ClinVar (database versions not stated): TOPMed 0.00020; gnomAD 0.00021 and 0.00022; ESP Exome Variant Server 0.00077.
gnomAD v4.1: 370 of 1,612,604 alleles (0.023%); highest among the groups gnomAD compares: African/African-American, 0.045%; 2 homozygotes.

Submissions (7):

PreventionGenetics, part of Exact Sciences
Classification: Uncertain significance for NLRP1-related condition. Last evaluated: 2026-07-14. Review status: criteria provided, single submitter. Criteria: ACMG Guidelines, 2015. Collection method: clinical testing. Allele origin: germline.
Comment: The NLRP1 c.632C>T variant is predicted to result in the amino acid substitution p.Thr211Met. To our knowledge, this variant has not been reported in the literature. This variant is reported in 0.056% of alleles in individuals of African descent in gnomAD, which may be too common to be causative. Although we suspect that this variant may be benign, at this time, the clinical significance of this variant is uncertain due to the absence of conclusive functional and genetic evidence.

Labcorp Genetics (formerly Invitae), Labcorp
Classification: Uncertain significance. Last evaluated: 2025-12-22. Review status: criteria provided, single submitter. Criteria: Invitae Variant Classification Sherloc (09022015). Collection method: clinical testing. Allele origin: germline.
Comment: This sequence change replaces threonine, which is neutral and polar, with methionine, which is neutral and non-polar, at codon 211 of the NLRP1 protein (p.Thr211Met). This variant is present in population databases (rs149535960, gnomAD 0.05%). This variant has not been reported in the literature in individuals affected with NLRP1-related conditions. ClinVar contains an entry for this variant (Variation ID: 1315626). An algorithm developed to predict the effect of missense changes on protein structure and function outputs the following: PolyPhen-2: "Benign". The methionine amino acid residue is found in multiple mammalian species, which suggests that this missense change does not adversely affect protein function. In summary, the available evidence is currently insufficient to determine the role of this variant in disease. Therefore, it has been classified as a Variant of Uncertain Significance.

CeGaT Center for Human Genetics Tuebingen
Classification: Likely benign. Last evaluated: 2025-12-01. Review status: criteria provided, single submitter. Criteria: CeGaT Center For Human Genetics Tuebingen Variant Classification Criteria Version 2. Collection method: clinical testing. Allele origin: germline. Affected: yes. Observed: 2 variant alleles.
Comment: NLRP1: BP4, BS2

Mayo Clinic Laboratories, Mayo Clinic
Classification: Uncertain significance. Last evaluated: 2025-05-06. Review status: criteria provided, single submitter. Criteria: ACMG Guidelines, 2015. Collection method: clinical testing. Allele origin: germline. Observed: 1 variant allele.
Comment: BP4_moderate

Blueprint Genetics
Classification: Likely benign. Last evaluated: 2024-10-31. Review status: criteria provided, single submitter. Criteria: ACMG Guidelines, 2015. Collection method: clinical testing. Allele origin: germline.

Ambry Genetics
Classification: Likely benign for Inborn genetic diseases. Last evaluated: 2023-05-31. Review status: criteria provided, single submitter. Criteria: Ambry Variant Classification Scheme 2023. Collection method: clinical testing. Allele origin: germline.

GeneDx
Classification: Uncertain significance. Last evaluated: 2019-06-12. Review status: criteria provided, single submitter. Criteria: GeneDx Variant Classification Process June 2021. Collection method: clinical testing. Allele origin: germline. Affected: yes.
Comment: In silico analysis, which includes protein predictors and evolutionary conservation, supports that this variant does not alter protein structure/function; Has not been previously published as pathogenic or benign to our knowledge

NM_033004.4(NLRP1):c.632C>T (p.Thr211Met)

Gene: NLRP1 (NLR family pyrin domain containing 1; minus strand). Cytogenetic location: 17p13.2.
Variant type: single nucleotide variant.
Coding change: c.632C>T on transcript NM_033004.4 (MANE Select); coding-DNA position 632, C replaced by T.
Protein change: p.Thr211Met; replaces threonine 211 with methionine.
Molecular consequence: missense variant.
Genome position (GRCh38, 1-based): chr17:5,581,879, G>A on the plus strand (C>T on the coding strand, the complement: NLRP1 is on the minus strand). VCF-style: chr17-5581879-G-A. GRCh37 (hg19) VCF-style: chr17-5485199-G-A.
Other names: p.Thr211Met; c.632C>T, p.Thr211Met (NM_001033053.3, NM_014922.5, NM_033006.4 and 1 more transcripts); short protein forms T211M.
Identifiers: ClinVar variation 1315626 (VCV001315626.23), dbSNP rs149535960, ClinGen allele CA8327541.